The following is an entry in ClinVar:

NC_000017.11:g.(?_35100947)_(35101042_?)del

Genes: RAD51L3-RFFL (RAD51L3-RFFL readthrough; minus strand), RAD51D (RAD51 paralog D; minus strand). Cytogenetic location: 17q12.
Variant type: Deletion.
Identifiers: ClinVar variation 472581 (VCV000472581.2).

ClinVar aggregate classification (germline): Likely pathogenic (1 of 4 stars; one submission).

Conditions:
Breast-ovarian cancer, familial, susceptibility to, 4. Identifiers: Orphanet 145, MedGen C3280345, MONDO:0013669, OMIM 614291.

Submission:

Labcorp Genetics (formerly Invitae), Labcorp
Classification: Likely pathogenic for Breast-ovarian cancer, familial, susceptibility to, 4. Last evaluated: 2018-04-18. Review status: criteria provided, single submitter. Criteria: Invitae Variant Classification Sherloc (09022015). Collection method: clinical testing. Allele origin: germline.
Comment: This variant is a gross deletion of the genomic region encompassing the last 8 nucleotides of exon 9 and exon 10 of the RAD51D gene, including the exon 9- intron 9 boundary (c.896_*505del). While this deletion is not anticipated to result in nonsense mediated decay, it is expected to create a truncated protein product or disrupt mRNA translation. While this particular deletion has not been reported in the literature, a gross deletion of exon 10 has been observed in an individual affected with breast cancer (PMID: 26681312). This gross deletion is expected to delete amino acid residues Ser299-Thr328 of the RAD51D protein, thereby removing the C-terminus of the ATPase domain (PMID: 14704354, 19327148, 21111057). Although functional studies have not been done for this particular deletion, experimental studies using yeast two-hybrid analysis has shown that the region of the RAD51D protein necessary for RAD51C complexing localizes to the last ~100 amino acids (PMID: 10749867, 14704354, 19327148). The data indicates that this deletion likely disrupts this important RAD51D-RAD51C interaction. In summary, this is a gross deletion that has been observed in an affected individual, and that likely disrupts an important functional domain in the RAD51D protein. This evidence indicates that the variant is pathogenic, but additional data is needed to prove that conclusively. Therefore, this variant has been classified as Likely Pathogenic.

Literature cited by the submitters: PubMed 26681312; PubMed 14704354; PubMed 19327148; PubMed 21111057; PubMed 10749867.